The following is an entry in ClinVar:

ClinVar aggregate classification (germline): Likely pathogenic. Review status: criteria provided, multiple submitters, no conflicts (2 of 4 stars). 2 submissions from 2 submitters: Likely pathogenic (2). Last evaluated 2022-11-25.

Conditions:
Hyperekplexia 3 (HKPX3). Also called: HYPEREKPLEXIA 3, AUTOSOMAL RECESSIVE; HYPEREKPLEXIA 3, AUTOSOMAL DOMINANT. Identifiers: Orphanet 3197, MedGen C3553288, MONDO:0013827, OMIM 614618.
SLC6A5-related disorder. Also called: SLC6A5-related condition.

Submissions (2):

Blueprint Genetics
Classification: Likely pathogenic for SLC6A5-related disorders. Last evaluated: 2022-11-25. Review status: criteria provided, single submitter. Criteria: ACMG Guidelines, 2015. Collection method: clinical testing. Allele origin: germline. Affected: yes. Observed: 1 variant allele.

Lifecell International Pvt. Ltd
Classification: Likely pathogenic for Hyperekplexia 3. Review status: criteria provided, single submitter. Criteria: ACMG Guidelines, 2015. Collection method: clinical testing. Allele origin: germline. Inheritance: Autosomal dominant inheritance. Affected: yes. Observed: 1 heterozygote.
Comment: A Heterozygous Frameshift variant c.973delA in Exon 5 of the SLC6A5 gene that results in the amino acid substitution p.Lys325fs*4 was identified. The observed variant is novel in gnomAD exomes and genomes, respectively. The severity of the impact of this variant on the protein is high, based on the effect of the protein and REVEL score . Rare Exome Variant Ensemble Learner (REVEL) is an ensembl method for predicting the pathogenicity of missense variants based on a combination of scores from 13 individual tools: MutPred, FATHMM v2.3, VEST 3.0, PolyPhen-2, SIFT, PROVEAN, MutationAssessor, MutationTaster, LRT, GERP++, SiPhy, phyloP, and phastCons. The REVEL score for an individual missense variant can range from 0 to 1, with higher scores reflecting greater likelihood that the variant is disease-causing. ClinVar has also classified this variant as Pathogenic (ClinVar ID: 1323614). Based on the above evidence this variant has been classified as Likely Pathogenic according to the ACMG guidelines.

NM_004211.5(SLC6A5):c.975del (p.Lys325fs)

Gene: SLC6A5 (solute carrier family 6 member 5; plus strand). Cytogenetic location: 11p15.1.
Variant type: Deletion.
Coding change: c.975del on transcript NM_004211.5 (MANE Select); coding-DNA position 975, one base deleted (A; older notation c.975delA).
Protein change: p.Lys325fs; shifts the reading frame from lysine 325.
Molecular consequence: frameshift variant.
Genome position (GRCh38, 1-based): chr11:20,607,642, A deleted; the last of 3 consecutive A bases (chr11:20,607,640-20,607,642); deleting any one gives the same sequence. VCF-style (leftmost placement, unchanged base first): chr11-20607639-CA-C. GRCh37 (hg19) VCF-style: chr11-20629185-CA-C.
Other names: c.973delA (NM_004211.5); c.273del, p.Lys91fs (NM_001318369.2); short protein forms K325fs, K91fs.
Identifiers: ClinVar variation 2498225 (VCV002498225.3), dbSNP rs2133775660, ClinGen allele CA2573053474.